The following is an entry in ClinVar:

ClinVar aggregate classification (germline): Uncertain significance (1 of 4 stars; one submission).

Conditions:
Early-onset Lafora body disease. Also called: Epilepsy, progressive myoclonic, 10. Identifiers: Orphanet 324290, MedGen C4225258, MONDO:0014717, OMIM 616640.

Allele frequency attached by ClinVar (database versions not stated): gnomAD exomes below 0.00001; TOPMed 0.00001; gnomAD 0.00002.
gnomAD v4.1: 4 of 1,614,122 alleles (0.00025%); highest among the groups gnomAD compares: African/African-American, 0.0053%; no homozygotes.

Submission:

Labcorp Genetics (formerly Invitae), Labcorp
Classification: Uncertain significance for Early-onset Lafora body disease. Last evaluated: 2024-08-12. Review status: criteria provided, single submitter. Criteria: Invitae Variant Classification Sherloc (09022015). Collection method: clinical testing. Allele origin: germline.
Comment: This sequence change replaces glutamic acid, which is acidic and polar, with lysine, which is basic and polar, at codon 125 of the PRDM8 protein (p.Glu125Lys). This variant is present in population databases (no rsID available, gnomAD 0.008%). This variant has not been reported in the literature in individuals affected with PRDM8-related conditions. ClinVar contains an entry for this variant (Variation ID: 937942). Advanced modeling of protein sequence and biophysical properties (such as structural, functional, and spatial information, amino acid conservation, physicochemical variation, residue mobility, and thermodynamic stability) performed at Invitae indicates that this missense variant is not expected to disrupt PRDM8 protein function with a negative predictive value of 80%. In summary, the available evidence is currently insufficient to determine the role of this variant in disease. Therefore, it has been classified as a Variant of Uncertain Significance.

NM_001099403.2(PRDM8):c.373G>A (p.Glu125Lys)

Genes: PRDM8 (PR/SET domain 8; plus strand), LOC126807094 (CDK7 strongly-dependent group 2 enhancer GRCh37_chr4:81121978-81123177; plus strand). Cytogenetic location: 4q21.21.
Variant type: single nucleotide variant.
Coding change: c.373G>A on transcript NM_001099403.2 (MANE Select); coding-DNA position 373, G replaced by A.
Protein change: p.Glu125Lys; replaces glutamic acid 125 with lysine.
Molecular consequence: missense variant.
Genome position (GRCh38, 1-based): chr4:80,201,443, G>A. VCF-style: chr4-80201443-G-A. GRCh37 (hg19) VCF-style: chr4-81122597-G-A.
Other names: c.373G>A, p.Glu125Lys (NM_020226.4); short protein forms E125K.
Identifiers: ClinVar variation 937942 (VCV000937942.10), dbSNP rs1162839638, ClinGen allele CA357393184.